The following is an entry in ClinVar:

NM_000160.5(GCGR):c.735G>C (p.Glu245Asp)

Gene: GCGR (glucagon receptor; plus strand). Cytogenetic location: 17q25.3.
Variant type: single nucleotide variant.
Coding change: c.735G>C on transcript NM_000160.5 (MANE Select); coding-DNA position 735, G replaced by C.
Protein change: p.Glu245Asp; replaces glutamic acid 245 with aspartic acid.
Molecular consequence: missense variant.
Genome position (GRCh38, 1-based): chr17:81,811,728, G>C. VCF-style: chr17-81811728-G-C. GRCh37 (hg19) VCF-style: chr17-79769604-G-C.
Other names: short protein forms E245D.
Identifiers: ClinVar variation 1979561 (VCV001979561.4), dbSNP rs367775051, ClinGen allele CA401498095.

ClinVar aggregate classification (germline): Uncertain significance (1 of 4 stars; one submission).

gnomAD v4.1: 12 of 1,544,574 alleles (0.00078%); highest among the groups gnomAD compares: South Asian, 0.0036%; 1 homozygote.

Submission:

Labcorp Genetics (formerly Invitae), Labcorp
Classification: Uncertain significance. Last evaluated: 2022-11-22. Review status: criteria provided, single submitter. Criteria: Invitae Variant Classification Sherloc (09022015). Collection method: clinical testing. Allele origin: germline.
Comment: In summary, the available evidence is currently insufficient to determine the role of this variant in disease. Therefore, it has been classified as a Variant of Uncertain Significance. Algorithms developed to predict the effect of missense changes on protein structure and function (SIFT, PolyPhen-2, Align-GVGD) all suggest that this variant is likely to be disruptive. This variant has not been reported in the literature in individuals affected with GCGR-related conditions. This variant is not present in population databases (gnomAD no frequency). This sequence change replaces glutamic acid, which is acidic and polar, with aspartic acid, which is acidic and polar, at codon 245 of the GCGR protein (p.Glu245Asp).